The following is an entry in ClinVar:

NM_017763.6(RNF43):c.782A>T (p.Asp261Val)

Gene: RNF43 (ring finger protein 43; minus strand). Cytogenetic location: 17q22.
Variant type: single nucleotide variant.
Coding change: c.782A>T on transcript NM_017763.6 (MANE Select); coding-DNA position 782, A replaced by T.
Protein change: p.Asp261Val; replaces aspartic acid 261 with valine.
Molecular consequence: missense variant.
Genome position (GRCh38, 1-based): chr17:58,360,850, T>A on the plus strand (A>T on the coding strand, the complement: RNF43 is on the minus strand). VCF-style: chr17-58360850-T-A. GRCh37 (hg19) VCF-style: chr17-56438211-T-A.
Other names: c.782A>T, p.Asp261Val (NM_001305544.3); c.401A>T, p.Asp134Val (NM_001305545.2); short protein forms D261V, D134V.
Identifiers: ClinVar variation 3434510 (VCV003434510.1).

ClinVar aggregate classification (germline): Uncertain significance (1 of 4 stars; one submission).

Submission:

Ambry Genetics
Classification: Uncertain significance. Last evaluated: 2024-11-25. Review status: criteria provided, single submitter. Criteria: Ambry Variant Classification Scheme 2023. Collection method: clinical testing. Allele origin: germline.
Comment: The p.D261V variant (also known as c.782A>T), located in coding exon 6 of the RNF43 gene, results from an A to T substitution at nucleotide position 782. The aspartic acid at codon 261 is replaced by valine, an amino acid with highly dissimilar properties. This amino acid position is conserved. In addition, this alteration is predicted to be tolerated by in silico analysis. Based on the available evidence, the clinical significance of this variant remains unclear.